The following is an entry in ClinVar:

NM_004329.3(BMPR1A):c.230+1G>A

Gene: BMPR1A (bone morphogenetic protein receptor type 1A; plus strand). Cytogenetic location: 10q23.2.
Variant type: single nucleotide variant.
Coding change: c.230+1G>A on transcript NM_004329.3 (MANE Select); the canonical splice donor site of the intron after coding-DNA position 230, G replaced by A.
Molecular consequence: splice donor variant.
Genome position (GRCh38, 1-based): chr10:86,890,225, G>A. VCF-style: chr10-86890225-G-A. GRCh37 (hg19) VCF-style: chr10-88649982-G-A.
Other names: c.230+1G>A (NM_001406562.1, NM_001406568.1, NM_001406567.1 and 23 more transcripts); c.146+1G>A (NM_001406584.1, NM_001406588.1, NM_001406587.1 and 2 more transcripts).
Identifiers: ClinVar variation 935800 (VCV000935800.9), dbSNP rs1843128744, ClinGen allele CA377447300.
Genomic context (GRCh38, chr10:86,890,225, plus strand): 5'-TTTTTTAAAGTGCTATTGCTCAGGGCACTGTCCAGATGATGCTATTAATAACACATGCAT[G>A]TAAGTATTTTATGCAGCCCTTCTTAAGAGTTAGGAGAATAGAGTTGCATTTAGTGCTATT-3'

ClinVar aggregate classification (germline): Likely pathogenic. Review status: criteria provided, multiple submitters, no conflicts (2 of 4 stars). 2 submissions from 2 submitters: Likely pathogenic (2). Last evaluated 2025-11-17.

Conditions:
Hereditary cancer-predisposing syndrome. Also called: Tumor predisposition; Hereditary neoplastic syndrome; Neoplastic Syndromes, Hereditary; Hereditary Cancer Syndrome. Identifiers: Orphanet 140162, MedGen C0027672, MeSH D009386, MONDO:0015356.
Juvenile polyposis syndrome (JPS). Identifiers: Orphanet 2929, MedGen C0345893, MONDO:0017380, OMIM 174900.

Submissions (2):

Ambry Genetics
Classification: Likely pathogenic for Hereditary cancer-predisposing syndrome. Last evaluated: 2025-11-17. Review status: criteria provided, single submitter. Criteria: Ambry Variant Classification Scheme 2023. Collection method: clinical testing. Allele origin: germline.
Comment: The c.230+1G>A intronic variant results from a G to A substitution one nucleotide after coding exon 2 of the BMPR1A gene. In silico splice site analysis predicts that this alteration will weaken the native splice donor site; however, direct evidence is insufficient at this time (Ambry internal data). The stop codon in the predicted resulting transcript occurs in the 5' end ofthe gene. As such, this alteration may escape nonsense-mediated mRNAdecay and/or be prone to rescue by reinitiation (Rivas et al. Science. 2015 May 8;348(6235):666-9; Lindeboom et al. Nat Genet. 2016 Oct;48(10):1112-8; Rhee et al. Sci Rep. 2017 May 10;7(1):1653). The exact functional effect of this alteration is unknown; however, the region predicted to be impacted is critical for protein function and a significant portion of the protein is affected (Ambry internal data). This variant is considered to be rare based on population cohorts in the Genome Aggregation Database (gnomAD). This nucleotide position is highly conserved in available vertebrate species. Based on the majority of available evidence to date, this variant is likely to be pathogenic.

Labcorp Genetics (formerly Invitae), Labcorp
Classification: Likely pathogenic for Juvenile polyposis syndrome. Last evaluated: 2024-03-25. Review status: criteria provided, single submitter. Criteria: Invitae Variant Classification Sherloc (09022015). Collection method: clinical testing. Allele origin: germline.
Comment: This sequence change affects a donor splice site in intron 4 of the BMPR1A gene. It is expected to disrupt RNA splicing. Variants that disrupt the donor or acceptor splice site typically lead to a loss of protein function (PMID: 16199547), and loss-of-function variants in BMPR1A are known to be pathogenic (PMID: 11536076, 12417513). This variant is not present in population databases (gnomAD no frequency). This variant has not been reported in the literature in individuals affected with BMPR1A-related conditions. ClinVar contains an entry for this variant (Variation ID: 935800). Algorithms developed to predict the effect of sequence changes on RNA splicing suggest that this variant may disrupt the consensus splice site. In summary, the currently available evidence indicates that the variant is pathogenic, but additional data are needed to prove that conclusively. Therefore, this variant has been classified as Likely Pathogenic.

Literature cited by the submitters: PubMed 16199547 (cited by Labcorp Genetics (formerly Invitae), Labcorp); PubMed 11536076 (cited by Labcorp Genetics (formerly Invitae), Labcorp); PubMed 12417513 (cited by Labcorp Genetics (formerly Invitae), Labcorp).